The following is an entry in ClinVar:

ClinVar aggregate classification (germline): Uncertain significance. Review status: criteria provided, single submitter (1 of 4 stars). 2 submissions from 2 submitters: Uncertain significance (1). 1 of the submissions does not count toward it. Last evaluated 2021-09-01.

Conditions:
Deficiency of galactokinase. Also called: GALACTOSEMIA II; Galactokinase deficiency with cataracts. Identifiers: Orphanet 352, Orphanet 79237, MedGen C0268155, MONDO:0009255, OMIM 230200.

Allele frequency attached by ClinVar (database versions not stated): gnomAD exomes below 0.00001 and 0.00001; TOPMed below 0.00001; gnomAD 0.00001; ExAC 0.00003.
gnomAD v4.1: 5 of 1,598,656 alleles (0.00031%); highest among the groups gnomAD compares: Non-Finnish European, 0.00043%; no homozygotes.

Submissions (2):

Labcorp Genetics (formerly Invitae), Labcorp
Classification: Uncertain significance for Deficiency of galactokinase. Last evaluated: 2021-09-01. Review status: criteria provided, single submitter. Criteria: Invitae Variant Classification Sherloc (09022015). Collection method: clinical testing. Allele origin: germline.
Comment: This sequence change replaces valine with methionine at codon 353 of the GALK1 protein (p.Val353Met). The valine residue is moderately conserved and there is a small physicochemical difference between valine and methionine. This variant is present in population databases (rs749948423, ExAC 0.006%). This missense change has been observed in individual(s) with galactokinase deficiency galactosemia (Invitae). Algorithms developed to predict the effect of missense changes on protein structure and function are either unavailable or do not agree on the potential impact of this missense change (SIFT: "Deleterious"; PolyPhen-2: "Probably Damaging"; Align-GVGD: "Class C0"). In summary, the available evidence is currently insufficient to determine the role of this variant in disease. Therefore, it has been classified as a Variant of Uncertain Significance.

Natera, Inc.
Classification: Uncertain significance for Deficiency of galactokinase. Last evaluated: 2021-03-18. Review status: no assertion criteria provided. Collection method: clinical testing. Allele origin: germline. Not counted in ClinVar's aggregate classification.

NM_000154.2(GALK1):c.1057G>A (p.Val353Met)

Gene: GALK1 (galactokinase 1; minus strand). Cytogenetic location: 17q25.1.
Variant type: single nucleotide variant.
Coding change: c.1057G>A on transcript NM_000154.2 (MANE Select); coding-DNA position 1057, G replaced by A.
Protein change: p.Val353Met; replaces valine 353 with methionine.
Molecular consequence: missense variant.
Genome position (GRCh38, 1-based): chr17:75,758,260, C>T on the plus strand (G>A on the coding strand, the complement: GALK1 is on the minus strand). VCF-style: chr17-75758260-C-T. GRCh37 (hg19) VCF-style: chr17-73754341-C-T.
Other names: c.1057G>A, p.Val353Met (NM_001381985.1); short protein forms V353M.
Identifiers: ClinVar variation 1051883 (VCV001051883.12), dbSNP rs749948423, ClinGen allele CA8770749.